The following is an entry in ClinVar:

ClinVar aggregate classification (germline): Uncertain significance (1 of 4 stars; one submission).

Conditions:
Inborn genetic diseases. Identifiers: MedGen C0950123, MeSH D030342.

gnomAD v4.1: 1 of 1,614,030 alleles (0.000062%); no homozygotes.

Submission:

Ambry Genetics
Classification: Uncertain significance for Inborn genetic diseases. Last evaluated: 2025-01-06. Review status: criteria provided, single submitter. Criteria: Ambry Variant Classification Scheme 2023. Collection method: clinical testing. Allele origin: germline.
Comment: The p.Q228E variant (also known as c.682C>G), located in coding exon 5 of the MECOM gene, results from a C to G substitution at nucleotide position 682. The glutamine at codon 228 is replaced by glutamic acid, an amino acid with highly similar properties. This amino acid position is conserved. In addition, the in silico prediction for this alteration is inconclusive. Based on the available evidence, the clinical significance of this variant remains unclear.

NM_004991.4(MECOM):c.682C>G (p.Gln228Glu)

Gene: MECOM (MDS1 and EVI1 complex locus; minus strand). Cytogenetic location: 3q26.2.
Variant type: single nucleotide variant.
Coding change: c.682C>G on transcript NM_004991.4 (MANE Select); coding-DNA position 682, C replaced by G.
Protein change: p.Gln228Glu; replaces glutamine 228 with glutamic acid.
Molecular consequence: missense variant.
Genome position (GRCh38, 1-based): chr3:169,127,992, G>C on the plus strand (C>G on the coding strand, the complement: MECOM is on the minus strand). VCF-style: chr3-169127992-G-C. GRCh37 (hg19) VCF-style: chr3-168845780-G-C.
Other names: c.310C>G, p.Gln104Glu (NM_001105077.4); c.118C>G, p.Gln40Glu (NM_001105078.4, NM_001163999.2, NM_001164000.2 and 9 more transcripts); c.682C>G, p.Gln228Glu (NM_001366466.2, NM_001366473.2); short protein forms Q40E, Q104E, Q228E.
Identifiers: ClinVar variation 3871671 (VCV003871671.1).